The following is an entry in ClinVar:

NM_000218.3(KCNQ1):c.683+20T>C

Gene: KCNQ1 (potassium voltage-gated channel subfamily Q member 1; plus strand). Cytogenetic location: 11p15.5.
Variant type: single nucleotide variant.
Coding change: c.683+20T>C on transcript NM_000218.3 (MANE Select); 20 bases into the intron after coding-DNA position 683, T replaced by C.
Molecular consequence: intron variant.
Genome position (GRCh38, 1-based): chr11:2,571,423, T>C. VCF-style: chr11-2571423-T-C. GRCh37 (hg19) VCF-style: chr11-2592653-T-C.
Other names: c.413+20T>C (NM_001406837.1); c.683+20T>C (NM_001406836.1); c.478-12012T>C (NM_001406838.1); c.302+20T>C (NM_181798.2).
Identifiers: ClinVar variation 137999 (VCV000137999.10), dbSNP rs184516288, ClinGen allele CA007893.

ClinVar aggregate classification (germline): Benign/Likely benign. Review status: criteria provided, multiple submitters, no conflicts (2 of 4 stars). 2 submissions from 2 submitters: Benign (1); Likely benign (1). Last evaluated 2021-07-04.

Conditions:
Long QT syndrome (LQTS). Identifiers: MedGen C0023976, MeSH D008133, MONDO:0002442. Disease mechanism: loss of function. Inheritance: Various modes of inheritance.

Allele frequency attached by ClinVar (database versions not stated): gnomAD exomes 0.00440; ExAC 0.00676.

Submissions (2):

Labcorp Genetics (formerly Invitae), Labcorp
Classification: Likely benign for Long QT syndrome. Last evaluated: 2021-07-04. Review status: criteria provided, single submitter. Criteria: Invitae Variant Classification Sherloc (09022015). Collection method: clinical testing. Allele origin: germline.

GeneDx
Classification: Benign. Last evaluated: 2012-10-16. Review status: criteria provided, single submitter. Criteria: GeneDx Variant Classification (06012015). Collection method: clinical testing. Allele origin: germline. Affected: yes.
Comment: This variant is considered likely benign or benign based on one or more of the following criteria: it is a conservative change, it occurs at a poorly conserved position in the protein, it is predicted to be benign by multiple in silico algorithms, and/or has population frequency not consistent with disease.